The following is an entry in ClinVar:

NM_001267550.2(TTN):c.104564C>A (p.Ser34855Tyr)

Genes: TTN (titin; minus strand), TTN-AS1 (TTN antisense RNA 1; plus strand). Cytogenetic location: 2q31.2.
Variant type: single nucleotide variant.
Coding change: c.104564C>A on transcript NM_001267550.2 (MANE Select); coding-DNA position 104564, C replaced by A.
Protein change: p.Ser34855Tyr; replaces serine 34855 with tyrosine.
Molecular consequence: missense variant.
Genome position (GRCh38, 1-based): chr2:178,532,051, G>T on the plus strand (C>A on the coding strand, the complement: TTN is on the minus strand). VCF-style: chr2-178532051-G-T. GRCh37 (hg19) VCF-style: chr2-179396778-G-T.
Other names: c.99641C>A, p.Ser33214Tyr (NM_001256850.1); c.77369C>A, p.Ser25790Tyr (NM_003319.4); c.96860C>A, p.Ser32287Tyr (NM_133378.4); c.77744C>A, p.Ser25915Tyr (NM_133432.3); c.77945C>A, p.Ser25982Tyr (NM_133437.4); short protein forms S32287Y, S34855Y, S25915Y, S33214Y, S25790Y, S25982Y.
Identifiers: ClinVar variation 332691 (VCV000332691.14), dbSNP rs886055222, ClinGen allele CA10613205.
Genomic context (GRCh38, chr2:178,532,051, plus strand): 5'-CTTCTTTCTGTGTCATCTTCGTATTCCTCAGCCGGTTGTGGACGTGACCGGATCAGCTCA[G>T]ACACTGGCCTCATTAACTCAATATAAGTTGGAGACAGGGAGCGCCGTCGTCTCAGTAGTC-3'
Protein context (NP_001254479.2, residues 34845-34865): PTYIELMRPV[Ser34855Tyr]ELIRSRPQPA

ClinVar aggregate classification (germline): Conflicting classifications of pathogenicity. Review status: criteria provided, conflicting classifications (1 of 4 stars). 8 submissions from 4 submitters: Uncertain significance (7); Likely benign (1). Last evaluated 2026-04-24.

Conditions:
Autosomal recessive limb-girdle muscular dystrophy type 2J (LGMDR10). Also called: Limb-girdle muscular dystrophy, type 2J; MUSCULAR DYSTROPHY, LIMB-GIRDLE, AUTOSOMAL RECESSIVE 10. Identifiers: Orphanet 140922, MedGen C1837342, MONDO:0012127, OMIM 608807.
TTN-related disorder. Also called: TTN-related disorders; TTN-related condition; TTN-related disease.
Early-onset myopathy with fatal cardiomyopathy (CMYO5). Also called: Salih Myopathy; CONGENITAL MYOPATHY 5 WITH CARDIOMYOPATHY. Identifiers: Orphanet 289377, MedGen C2673677, MONDO:0012714, OMIM 611705. Disease mechanism: loss of function.
Myopathy, myofibrillar, 9, with early respiratory failure (MFM9). Also called: MYOPATHY, PROXIMAL, WITH EARLY RESPIRATORY MUSCLE INVOLVEMENT; Hereditary myopathy with early respiratory failure; Myopathy, distal, with early respiratory failure, autosomal dominant; EDSTROM MYOPATHY. Identifiers: Orphanet 178464, Orphanet 34521, MedGen C1863599, MONDO:0011362, OMIM 603689.
Dilated cardiomyopathy 1G (CMD1G). Identifiers: Orphanet 154, MedGen C1858763, MONDO:0011400, OMIM 604145.
Cardiomyopathy (CMYO). Also called: Cardiomyopathies. Identifiers: Orphanet 167848, MedGen C0878544, MONDO:0004994, HP:0001638. Inheritance: Various modes of inheritance.
Tibial muscular dystrophy (TMD). Also called: UDD MYOPATHY; Tibial muscular dystrophy, tardive; Udd Distal Myopathy – Tibial Muscular Dystrophy. Identifiers: Orphanet 609, MedGen C1838244, MONDO:0010870, OMIM 600334.

Allele frequency attached by ClinVar (database versions not stated): gnomAD 0.00001; TOPMed 0.00001; gnomAD exomes 0.00005.
gnomAD v4.1: 71 of 1,613,820 alleles (0.0044%); highest among the groups gnomAD compares: Non-Finnish European, 0.0058%; no homozygotes.

Submissions (8):

PreventionGenetics, part of Exact Sciences
Classification: Uncertain significance for TTN-related condition. Last evaluated: 2026-04-24. Review status: criteria provided, single submitter. Criteria: ACMG Guidelines, 2015. Collection method: clinical testing. Allele origin: germline.
Comment: The TTN c.104564C>A variant is predicted to result in the amino acid substitution p.Ser34855Tyr. This variant has been reported in an individual with arrhythmogenic cardiomyopathy who also carried additional cardiac variants that could explain the phenotype (Proband 39 in supplemental table 2, Poloni et al. 2019. PubMed ID: 30453078). This variant has not been reported in a large population database, indicating this variant is rare. At this time, the clinical significance of this variant is uncertain due to the absence of conclusive functional and genetic evidence.

Labcorp Genetics (formerly Invitae), Labcorp
Classification: Uncertain significance for Dilated cardiomyopathy 1G; Autosomal recessive limb-girdle muscular dystrophy type 2J. Last evaluated: 2026-01-05. Review status: criteria provided, single submitter. Criteria: Invitae Variant Classification Sherloc (09022015). Collection method: clinical testing. Allele origin: germline.
Comment: This sequence change replaces serine, which is neutral and polar, with tyrosine, which is neutral and polar, at codon 34855 of the TTN protein (p.Ser34855Tyr). This variant is not present in population databases (gnomAD no frequency). This variant has not been reported in the literature in individuals affected with TTN-related conditions. ClinVar contains an entry for this variant (Variation ID: 332691). Experimental studies and prediction algorithms are not available or were not evaluated, and the functional significance of this variant is currently unknown. This variant is located in the M band of TTN (PMID: 25589632). Non-truncating variants in this region may be relevant for neuromuscular disorders, but have not been definitively shown to cause cardiomyopathy (PMID: 23975875). In summary, the available evidence is currently insufficient to determine the role of this variant in disease. Therefore, it has been classified as a Variant of Uncertain Significance.

CHEO Genetics Diagnostic Laboratory, Children's Hospital of Eastern Ontario
Classification: Likely benign for Cardiomyopathy. Last evaluated: 2023-05-05. Review status: criteria provided, single submitter. Criteria: ACMG Guidelines, 2015. Collection method: clinical testing. Allele origin: germline.

Illumina Laboratory Services, Illumina
Classification: Uncertain significance for Myopathy, myofibrillar, 9, with early respiratory failure. Last evaluated: 2018-01-12. Review status: criteria provided, single submitter. Criteria: ICSL Variant Classification Criteria 13 December 2019. Collection method: clinical testing. Allele origin: germline.

Illumina Laboratory Services, Illumina
Classification: Uncertain significance for Early-onset myopathy with fatal cardiomyopathy. Last evaluated: 2018-01-12. Review status: criteria provided, single submitter. Criteria: ICSL Variant Classification Criteria 13 December 2019. Collection method: clinical testing. Allele origin: germline.

Illumina Laboratory Services, Illumina
Classification: Uncertain significance for Dilated cardiomyopathy 1G. Last evaluated: 2018-01-12. Review status: criteria provided, single submitter. Criteria: ICSL Variant Classification Criteria 13 December 2019. Collection method: clinical testing. Allele origin: germline.

Illumina Laboratory Services, Illumina
Classification: Uncertain significance for Autosomal recessive limb-girdle muscular dystrophy type 2J. Last evaluated: 2018-01-12. Review status: criteria provided, single submitter. Criteria: ICSL Variant Classification Criteria 13 December 2019. Collection method: clinical testing. Allele origin: germline.

Illumina Laboratory Services, Illumina
Classification: Uncertain significance for Tibial muscular dystrophy. Last evaluated: 2018-01-12. Review status: criteria provided, single submitter. Criteria: ICSL Variant Classification Criteria 13 December 2019. Collection method: clinical testing. Allele origin: germline.

Literature cited by the submitters: PubMed 25589632 (cited by Labcorp Genetics (formerly Invitae), Labcorp); PubMed 23975875 (cited by Labcorp Genetics (formerly Invitae), Labcorp).